The following is an entry in ClinVar:

NM_173354.5(SIK1):c.2000C>T (p.Pro667Leu)

Gene: SIK1 (salt inducible kinase 1; minus strand). Cytogenetic location: 21q22.3.
Variant type: single nucleotide variant.
Coding change: c.2000C>T on transcript NM_173354.5 (MANE Select); coding-DNA position 2000, C replaced by T.
Protein change: p.Pro667Leu; replaces proline 667 with leucine.
Molecular consequence: missense variant.
Genome position (GRCh38, 1-based): chr21:43,417,094, G>A on the plus strand (C>T on the coding strand, the complement: SIK1 is on the minus strand). VCF-style: chr21-43417094-G-A. GRCh37 (hg19) VCF-style: chr21-44836974-G-A.
Other names: short protein forms P667L.
Identifiers: ClinVar variation 840743 (VCV000840743.12), dbSNP rs553014547, ClinGen allele CA321324553.

ClinVar aggregate classification (germline): Uncertain significance. Review status: criteria provided, multiple submitters, no conflicts (2 of 4 stars). 3 submissions from 3 submitters: Uncertain significance (3). Last evaluated 2025-09-03.

Conditions:
Developmental and epileptic encephalopathy, 30 (DEE30). Also called: Epileptic encephalopathy, early infantile, 30. Identifiers: MedGen C4225360, MONDO:0014595, OMIM 616341.
Inborn genetic diseases. Identifiers: MedGen C0950123, MeSH D030342.

Allele frequency attached by ClinVar (database versions not stated): ExAC 0.00008; 1000 Genomes Project 0.00020.

Submissions (3):

Ambry Genetics
Classification: Uncertain significance for Inborn genetic diseases. Last evaluated: 2025-09-03. Review status: criteria provided, single submitter. Criteria: Ambry Variant Classification Scheme 2023. Collection method: clinical testing. Allele origin: germline.

Labcorp Genetics (formerly Invitae), Labcorp
Classification: Uncertain significance for Developmental and epileptic encephalopathy, 30. Last evaluated: 2025-01-20. Review status: criteria provided, single submitter. Criteria: Invitae Variant Classification Sherloc (09022015). Collection method: clinical testing. Allele origin: germline.
Comment: This sequence change replaces proline, which is neutral and non-polar, with leucine, which is neutral and non-polar, at codon 667 of the SIK1 protein (p.Pro667Leu). The frequency data for this variant in the population databases is considered unreliable, as metrics indicate poor data quality at this position in the gnomAD database. This variant has not been reported in the literature in individuals affected with SIK1-related conditions. ClinVar contains an entry for this variant (Variation ID: 840743). Invitae Evidence Modeling of protein sequence and biophysical properties (such as structural, functional, and spatial information, amino acid conservation, physicochemical variation, residue mobility, and thermodynamic stability) indicates that this missense variant is not expected to disrupt SIK1 protein function with a negative predictive value of 95%. In summary, the available evidence is currently insufficient to determine the role of this variant in disease. Therefore, it has been classified as a Variant of Uncertain Significance.

Breakthrough Genomics
Classification: Uncertain significance. Review status: criteria provided, single submitter. Criteria: ACMG Guidelines, 2015. Collection method: not provided. Allele origin: germline. Inheritance: Autosomal dominant inheritance. Affected: yes.